The following is an entry in ClinVar:

NM_003193.5(TBCE):c.661-1238C>T

Gene: TBCE (tubulin folding cofactor E; plus strand). Cytogenetic location: 1q42.3.
Variant type: single nucleotide variant.
Coding change: c.661-1238C>T on transcript NM_003193.5 (MANE Select); 1238 bases into the intron before coding-DNA position 661, C replaced by T.
Molecular consequence: intron variant. On other transcripts: synonymous variant (1).
Genome position (GRCh38, 1-based): chr1:235,432,966, C>T. VCF-style: chr1-235432966-C-T. GRCh37 (hg19) VCF-style: chr1-235596281-C-T.
Other names: c.681C>T, p.Gly227= (NM_001287801.2); c.661-1238C>T (NM_001079515.3); c.322-1238C>T (NM_001287802.2).
Identifiers: ClinVar variation 2640093 (VCV002640093.24), dbSNP rs2527021190, ClinGen allele CA2651112214.
Genomic context (GRCh38, chr1:235,432,966, plus strand): 5'-ATTTTTTGTAATTTTTTTTTTTGTAAAAAAAAAAAATTAGGCTCATGCGCAGTGTGGTGG[C>T]AGCAGGCACGGTCTCGACATGCAGAAAGACGCCAGCAAGTTCGTGGATCTGTGCGTGCTG-3'

ClinVar aggregate classification (germline): Likely benign (1 of 4 stars; one submission).

Submission:

CeGaT Center for Human Genetics Tuebingen
Classification: Likely benign. Last evaluated: 2022-11-01. Review status: criteria provided, single submitter. Criteria: CeGaT Center For Human Genetics Tuebingen Variant Classification Criteria Version 2. Collection method: clinical testing. Allele origin: germline. Affected: yes. Observed: 1 variant allele.
Comment: TBCE: PM2:Supporting, BP4, BP7